The following is an entry in ClinVar:

NM_000400.4(ERCC2):c.1562G>C (p.Gly521Ala)

Gene: ERCC2 (ERCC excision repair 2, TFIIH core complex helicase subunit; minus strand). Cytogenetic location: 19q13.32.
Variant type: single nucleotide variant.
Coding change: c.1562G>C on transcript NM_000400.4 (MANE Select); coding-DNA position 1562, G replaced by C.
Protein change: p.Gly521Ala; replaces glycine 521 with alanine.
Molecular consequence: missense variant.
Genome position (GRCh38, 1-based): chr19:45,354,833, C>G on the plus strand (G>C on the coding strand, the complement: ERCC2 is on the minus strand). VCF-style: chr19-45354833-C-G. GRCh37 (hg19) VCF-style: chr19-45858091-C-G.
Other names: short protein forms G521A.
Identifiers: ClinVar variation 1775295 (VCV001775295.2), dbSNP rs2514006389, ClinGen allele CA406365559.

ClinVar aggregate classification (germline): Uncertain significance (1 of 4 stars; one submission).

Conditions:
Inborn genetic diseases. Identifiers: MedGen C0950123, MeSH D030342.

Submission:

Ambry Genetics
Classification: Uncertain significance for Inborn genetic diseases. Last evaluated: 2022-07-05. Review status: criteria provided, single submitter. Criteria: Ambry Variant Classification Scheme 2023. Collection method: clinical testing. Allele origin: germline.
Comment: The p.G521A variant (also known as c.1562G>C), located in coding exon 17 of the ERCC2 gene, results from a G to C substitution at nucleotide position 1562. The glycine at codon 521 is replaced by alanine, an amino acid with similar properties. This amino acid position is conserved. In addition, this alteration is predicted to be deleterious by in silico analysis. Since supporting evidence is limited at this time, the clinical significance of this alteration remains unclear.